The following is an entry in ClinVar:

ClinVar aggregate classification (germline): Uncertain significance. Review status: criteria provided, multiple submitters, no conflicts (2 of 4 stars). 2 submissions from 2 submitters: Uncertain significance (2). Last evaluated 2026-02-09.

Conditions:
Tuberous sclerosis 2 (TSC2). Identifiers: Orphanet 805, MedGen C1860707, MONDO:0013199, OMIM 613254.
Hereditary cancer-predisposing syndrome. Also called: Hereditary Cancer Syndrome; Neoplastic Syndromes, Hereditary; Tumor predisposition; Hereditary neoplastic syndrome. Identifiers: Orphanet 140162, MedGen C0027672, MeSH D009386, MONDO:0015356.

Submissions (2):

Ambry Genetics
Classification: Uncertain significance for Hereditary cancer-predisposing syndrome. Last evaluated: 2026-02-09. Review status: criteria provided, single submitter. Criteria: Ambry Variant Classification Scheme 2023. Collection method: clinical testing. Allele origin: germline.
Comment: The p.R653S variant (also known as c.1959A>C), located in coding exon 18 of the TSC2 gene, results from an A to C substitution at nucleotide position 1959. The arginine at codon 653 is replaced by serine, an amino acid with dissimilar properties. This amino acid position is well conserved in available vertebrate species. In addition, the in silico prediction for this alteration is inconclusive. Based on the available evidence, the clinical significance of this variant remains unclear.

Labcorp Genetics (formerly Invitae), Labcorp
Classification: Uncertain significance for Tuberous sclerosis 2. Last evaluated: 2024-04-11. Review status: criteria provided, single submitter. Criteria: Invitae Variant Classification Sherloc (09022015). Collection method: clinical testing. Allele origin: germline.
Comment: This sequence change replaces arginine, which is basic and polar, with serine, which is neutral and polar, at codon 653 of the TSC2 protein (p.Arg653Ser). This variant is not present in population databases (gnomAD no frequency). This variant has not been reported in the literature in individuals affected with TSC2-related conditions. Advanced modeling of protein sequence and biophysical properties (such as structural, functional, and spatial information, amino acid conservation, physicochemical variation, residue mobility, and thermodynamic stability) performed at Invitae indicates that this missense variant is not expected to disrupt TSC2 protein function with a negative predictive value of 95%. In summary, the available evidence is currently insufficient to determine the role of this variant in disease. Therefore, it has been classified as a Variant of Uncertain Significance.

NM_000548.5(TSC2):c.1959A>C (p.Arg653Ser)

Gene: TSC2 (TSC complex subunit 2; plus strand). Cytogenetic location: 16p13.3.
Variant type: single nucleotide variant.
Coding change: c.1959A>C on transcript NM_000548.5 (MANE Select); coding-DNA position 1959, A replaced by C.
Protein change: p.Arg653Ser; replaces arginine 653 with serine.
Molecular consequence: missense variant. On other transcripts: non-coding transcript variant (5).
Genome position (GRCh38, 1-based): chr16:2,071,796, A>C. VCF-style: chr16-2071796-A-C. GRCh37 (hg19) VCF-style: chr16-2121797-A-C.
Other names: c.1959A>C, p.Arg653Ser (NM_001077183.3, NM_001114382.3, NM_001363528.2 and 6 more transcripts); c.1848A>C, p.Arg616Ser (NM_001318827.2, NM_001406670.1, NM_001406678.1); c.1812A>C, p.Arg604Ser (NM_001318829.2, NM_001406675.1, NM_001406676.1 and 1 more transcripts); c.1359A>C, p.Arg453Ser (NM_001318831.2, NM_001406688.1, NM_001406680.1 and 6 more transcripts); c.1992A>C, p.Arg664Ser (NM_001318832.2); c.2049A>C, p.Arg683Ser (NM_001406667.1, NM_001406668.1); c.1947A>C, p.Arg649Ser (NM_001406671.1, NM_001406673.1); c.1902A>C, p.Arg634Ser (NM_001406677.1); and 3 more; short protein forms R205S, R453S, R616S, R664S, R119S, R499S, R649S, R653S.
Identifiers: ClinVar variation 3637196 (VCV003637196.3).